The following is an entry in ClinVar:

ClinVar aggregate classification (germline): Benign. Review status: criteria provided, multiple submitters, no conflicts (2 of 4 stars). 5 submissions from 5 submitters: Benign (5). Last evaluated 2026-02-04.

Conditions:
Disorders of Intracellular Cobalamin Metabolism. Identifiers: MedGen CN043592.
Methylcobalamin deficiency type cblG (HMAG). Also called: HOMOCYSTINURIA-MEGALOBLASTIC ANEMIA, cblG COMPLEMENTATION TYPE; HOMOCYSTINURIA-MEGALOBLASTIC ANEMIA, cblG TYPE; Functional methionine synthase deficiency type cblG; HOMOCYSTINURIA-MEGALOBLASTIC ANEMIA DUE TO DEFECT IN COBALAMIN METABOLISM, cblG COMPLEMENTATION TYPE. Identifiers: Orphanet 2170, Orphanet 622, MedGen C1855128, MONDO:0009609, OMIM 250940.

Allele frequency attached by ClinVar (database versions not stated): gnomAD exomes 0.04062 and 0.07805; ExAC 0.08487; gnomAD 0.14751 and 0.15072; ESP Exome Variant Server 0.15032; TOPMed 0.16487; 1000 Genomes Project 0.21506; 1000 Genomes Project 30x 0.21658.
gnomAD v4.1: 83,123 of 1,612,446 alleles (5.2%); highest among the groups gnomAD compares: African/African-American, 42%; 9,324 homozygotes.

Submissions (5):

Labcorp Genetics (formerly Invitae), Labcorp
Classification: Benign for Methylcobalamin deficiency type cblG. Last evaluated: 2026-02-04. Review status: criteria provided, single submitter. Criteria: Invitae Variant Classification Sherloc (09022015). Collection method: clinical testing. Allele origin: germline.

Mayo Clinic Laboratories, Mayo Clinic
Classification: Benign. Last evaluated: 2021-04-07. Review status: criteria provided, single submitter. Criteria: ACMG Guidelines, 2015. Collection method: clinical testing. Allele origin: germline. Observed: 14 variant alleles.

Illumina Laboratory Services, Illumina
Classification: Benign for Disorders of Intracellular Cobalamin Metabolism. Last evaluated: 2018-01-12. Review status: criteria provided, single submitter. Criteria: ICSL Variant Classification Criteria 13 December 2019. Collection method: clinical testing. Allele origin: germline.
Comment: This variant was observed in the ICSL laboratory as part of a predisposition screen in an ostensibly healthy population. It had not been previously curated by ICSL or reported in the Human Gene Mutation Database (HGMD: prior to June 1st, 2018), and was therefore a candidate for classification through an automated scoring system. Utilizing variant allele frequency, disease prevalence and penetrance estimates, and inheritance mode, an automated score was calculated to assess if this variant is too frequent to cause the disease. Based on the score and internal cut-off values, a variant classified as benign is not then subjected to further curation. The score for this variant resulted in a classification of benign for this disease.

GeneDx
Classification: Benign. Last evaluated: 2013-10-03. Review status: criteria provided, single submitter. Criteria: GeneDx Variant Classification (06012015). Collection method: clinical testing. Allele origin: germline. Affected: yes.
Comment: This variant is considered likely benign or benign based on one or more of the following criteria: it is a conservative change, it occurs at a poorly conserved position in the protein, it is predicted to be benign by multiple in silico algorithms, and/or has population frequency not consistent with disease.

Breakthrough Genomics
Classification: Benign. Review status: criteria provided, single submitter. Criteria: ACMG Guidelines, 2015. Collection method: not provided. Allele origin: germline. Inheritance: Autosomal recessive inheritance. Affected: yes.

NM_000254.3(MTR):c.3712-8T>C

Gene: MTR (5-methyltetrahydrofolate-homocysteine methyltransferase; plus strand). Cytogenetic location: 1q43.
Variant type: single nucleotide variant.
Coding change: c.3712-8T>C on transcript NM_000254.3 (MANE Select); 8 bases into the intron before coding-DNA position 3712, T replaced by C.
Molecular consequence: intron variant.
Genome position (GRCh38, 1-based): chr1:236,897,550, T>C. VCF-style: chr1-236897550-T-C. GRCh37 (hg19) VCF-style: chr1-237060850-T-C.
Other names: p.?; c.3559-8T>C (NM_001291939.1); c.2491-8T>C (NM_001291940.2).
Identifiers: ClinVar variation 138286 (VCV000138286.15), dbSNP rs12022937, ClinGen allele CA292212.